The following is an entry in ClinVar:

NM_001128425.2(MUTYH):c.170T>C (p.Met57Thr)

Gene: MUTYH (mutY DNA glycosylase; minus strand). Cytogenetic location: 1p34.1.
Variant type: single nucleotide variant.
Coding change: c.170T>C on transcript NM_001128425.2 (MANE Plus Clinical); coding-DNA position 170, T replaced by C.
Protein change: p.Met57Thr; replaces methionine 57 with threonine.
Molecular consequence: missense variant. On other transcripts: initiator codon variant (1), intron variant (24).
Genome position (GRCh38, 1-based): chr1:45,333,591, A>G on the plus strand (T>C on the coding strand, the complement: MUTYH is on the minus strand). VCF-style: chr1-45333591-A-G. GRCh37 (hg19) VCF-style: chr1-45799263-A-G.
Other names: c.119T>C, p.Met40Thr (NM_001293191.2, NM_001407077.1); c.161T>C, p.Met54Thr (NM_001407069.1, NM_012222.3); c.2T>C, p.Met1Thr (NM_001407075.1); c.128T>C, p.Met43Thr (NM_001407083.1, NM_001407085.1); c.116-30T>C (NM_001407072.1, NM_001048171.2, NM_001407070.1 and 7 more transcripts); c.-92-94T>C (NM_001350651.2, NM_001407082.1); c.-97-94T>C (NM_001293192.2, NM_001293196.2, NM_001407091.1); c.-156-30T>C (NM_001350650.2); and 4 more; short protein forms M43T, M1T, M40T, M54T, M57T.
Identifiers: ClinVar variation 3400132 (VCV003400132.2).

ClinVar aggregate classification (germline): Conflicting classifications of pathogenicity. Review status: criteria provided, conflicting classifications (1 of 4 stars). 2 submissions from 2 submitters: Uncertain significance (1); Likely benign (1). Last evaluated 2025-06-18.

Conditions:
Hereditary cancer-predisposing syndrome. Also called: Hereditary Cancer Syndrome; Tumor predisposition; Hereditary neoplastic syndrome; Neoplastic Syndromes, Hereditary. Identifiers: Orphanet 140162, MedGen C0027672, MeSH D009386, MONDO:0015356.

gnomAD v4.1: 1 of 1,609,604 alleles (0.000062%); highest among the groups gnomAD compares: Non-Finnish European, 0.000085%; no homozygotes.

Submissions (2):

Quest Diagnostics Nichols Institute San Juan Capistrano
Classification: Uncertain significance. Last evaluated: 2025-06-18. Review status: criteria provided, single submitter. Criteria: Quest Diagnostics criteria. Collection method: clinical testing. Allele origin: unknown.
Comment: The MUTYH c.170T>C (p.Met57Thr) variant has not been reported in individuals with MUTYH-related conditions in the published literature. It also has not been reported in large, multi-ethnic general populations (Genome Aggregation Database). Analysis of this variant using bioinformatics tools for the prediction of the effect of amino acid changes on protein structure and function yielded predictions that this variant is benign. Based on the available information, we are unable to determine the clinical significance of this variant.

Ambry Genetics
Classification: Likely benign for Hereditary cancer-predisposing syndrome. Last evaluated: 2024-07-05. Review status: criteria provided, single submitter. Criteria: Ambry Variant Classification Scheme 2023. Collection method: clinical testing. Allele origin: germline.